The following is an entry in ClinVar:

NM_025137.4(SPG11):c.3185A>C (p.Gln1062Pro)

Gene: SPG11 (SPG11 vesicle trafficking associated, spatacsin; minus strand). Cytogenetic location: 15q21.1.
Variant type: single nucleotide variant.
Coding change: c.3185A>C on transcript NM_025137.4 (MANE Select); coding-DNA position 3185, A replaced by C.
Protein change: p.Gln1062Pro; replaces glutamine 1062 with proline.
Molecular consequence: missense variant.
Genome position (GRCh38, 1-based): chr15:44,610,946, T>G on the plus strand (A>C on the coding strand, the complement: SPG11 is on the minus strand). VCF-style: chr15-44610946-T-G. GRCh37 (hg19) VCF-style: chr15-44903144-T-G.
Other names: c.3185A>C, p.Gln1062Pro (NM_001160227.2); short protein forms Q1062P.
Identifiers: ClinVar variation 1388409 (VCV001388409.4), dbSNP rs146520557, ClinGen allele CA270064664.

ClinVar aggregate classification (germline): Uncertain significance (1 of 4 stars; one submission).

Conditions:
Hereditary spastic paraplegia 11. Also called: Nakamura Osame syndrome; Autosomal recessive hereditary spastic paraplegia, mental impairment, and thin corpus callosum; SPASTIC PARAPLEGIA, AUTOSOMAL RECESSIVE, COMPLICATED, WITH THIN CORPUS CALLOSUM; SPASTIC PARAPLEGIA, AUTOSOMAL RECESSIVE, WITH MENTAL IMPAIRMENT AND THIN CORPUS CALLOSUM; Spastic paraplegia, mental retardation and thin corpus callosum; Spastic Paraplegia 11. Identifiers: Orphanet 2822, MedGen C1858479, MONDO:0011445, OMIM 604360.

Allele frequency attached by ClinVar (database versions not stated): TOPMed 0.00001; ESP Exome Variant Server 0.00008.

Submission:

Labcorp Genetics (formerly Invitae), Labcorp
Classification: Uncertain significance for Hereditary spastic paraplegia 11. Last evaluated: 2022-01-17. Review status: criteria provided, single submitter. Criteria: Invitae Variant Classification Sherloc (09022015). Collection method: clinical testing. Allele origin: germline.
Comment: This variant is not present in population databases (gnomAD no frequency). In summary, the available evidence is currently insufficient to determine the role of this variant in disease. Therefore, it has been classified as a Variant of Uncertain Significance. Algorithms developed to predict the effect of missense changes on protein structure and function are either unavailable or do not agree on the potential impact of this missense change (SIFT: "Deleterious"; PolyPhen-2: "Benign"; Align-GVGD: "Class C0"). This variant has not been reported in the literature in individuals affected with SPG11-related conditions. This sequence change replaces glutamine, which is neutral and polar, with proline, which is neutral and non-polar, at codon 1062 of the SPG11 protein (p.Gln1062Pro).